The following is an entry in ClinVar:

ClinVar aggregate classification (germline): Likely pathogenic (1 of 4 stars; one submission).

Submission:

GeneDx
Classification: Likely pathogenic. Last evaluated: 2018-08-30. Review status: criteria provided, single submitter. Criteria: GeneDx Variant Classification (06012015). Collection method: clinical testing. Allele origin: germline. Affected: yes.
Comment: The c.555_558delAGGAinsGGG variant in the GHR gene has not been reported previously as a pathogenic variant nor as a benign variant, to our knowledge. The c.555_558delAGGAinsGGG variant replaces 4 nucleotides with 3 incorrect nucleotides, causing a frameshift starting with codon Tryptophan 187, changes this amino acid to a Glycine residue, and creates a premature Stop codon at position 13 of the new reading frame, denoted p.Trp187GlyfsX13. This variant is predicted to cause loss of normal protein function either through protein truncation or nonsense-mediated mRNA decay. The c.555_558delAGGAinsGGG variant is not observed in large population cohorts (Lek et al., 2016). We interpret c.555_558delAGGAinsGGG as a likely pathogenic variant.

NM_000163.5(GHR):c.555_558delinsGGG (p.Trp187fs)

Gene: GHR (growth hormone receptor; plus strand). Cytogenetic location: 5p12.
Variant type: Indel.
Coding change: c.555_558delinsGGG on transcript NM_000163.5 (MANE Select); coding-DNA positions 555 to 558, AGGA replaced by GGG.
Protein change: p.Trp187fs; shifts the reading frame from tryptophan 187.
Molecular consequence: frameshift variant.
Genome position (GRCh38, 1-based): chr5:42,699,939-42,699,942, AGGA replaced by GGG. VCF-style: chr5-42699939-AGGA-GGG. GRCh37 (hg19) VCF-style: chr5-42700041-AGGA-GGG.
Other names: c.576_579delinsGGG, p.Trp194fs (NM_001242399.2); c.555_558delinsGGG, p.Trp187fs (NM_001242400.2, NM_001242401.4, NM_001242402.2 and 5 more transcripts); c.489_492delAGGAinsGGG, p.Trp165Glyfs (NM_001242460.2); short protein forms W187fs, W165fs, W194fs.
Identifiers: ClinVar variation 817220 (VCV000817220.1), dbSNP rs1579636931, ClinGen allele CA915943342.
Genomic context (GRCh38, chr5:42,699,939, plus strand): 5'-TGGGATTCATGCAGATATCCAAGTGAGATGGGAAGCACCACGCAATGCAGATATTCAGAA[AGGA>GGG]TGGATGGTTCTGGAGTATGAACTTCAATACAAAGAAGTAAATGAAACTAAATGGAAAATG-3'